The following is an entry in ClinVar:

NM_000497.4(CYP11B1):c.1179_1180dup (p.Asn394fs)

Genes: CYP11B1 (cytochrome P450 family 11 subfamily B member 1; minus strand), LOC106799833 (CYP11B1 recombination region; plus strand). Cytogenetic location: 8q24.3.
Variant type: Duplication.
Coding change: c.1179_1180dup on transcript NM_000497.4 (MANE Select); coding-DNA positions 1179 to 1180, 2 bases duplicated (GA; older notation c.1179_1180dupGA).
Protein change: p.Asn394fs; shifts the reading frame from asparagine 394.
Molecular consequence: frameshift variant.
Genome position (GRCh38, 1-based): chr8:142,875,254-142,875,255, TC duplicated on the plus strand (GA on the coding strand, the reverse complement: CYP11B1 is on the minus strand); duplicating any 2 consecutive bases within chr8:142,875,254-142,875,256 gives the same sequence; the c. name uses the placement nearest the transcript's 3' end. VCF-style (leftmost placement, unchanged base first): chr8-142875253-T-TTC. GRCh37 (hg19) VCF-style: chr8-143956669-T-TTC.
Other names: c.1179_1180dup, p.Asn394fs (NM_001026213.1); c.1179_1180dup (NM_000497.3); short protein forms N394fs.
Identifiers: ClinVar variation 1403418 (VCV001403418.12), dbSNP rs758714890, ClinGen allele CA4905087.

ClinVar aggregate classification (germline): Pathogenic/Likely pathogenic. Review status: criteria provided, multiple submitters, no conflicts (2 of 4 stars). 5 submissions from 5 submitters: Pathogenic (3); Likely pathogenic (1). 1 of the submissions does not count toward it. Last evaluated 2024-06-18.

Conditions:
Deficiency of steroid 11-beta-monooxygenase (CYP11B1). Also called: ADRENAL HYPERPLASIA, CONGENITAL, DUE TO STEROID 11-BETA-HYDROXYLASE DEFICIENCY; P450C11B1 DEFICIENCY; STEROID 11-BETA-HYDROXYLASE DEFICIENCY; ADRENAL HYPERPLASIA IV; 11-BETA-HYDROXYLASE DEFICIENCY; Congenital adrenal hyperplasia due to 11-beta-hydroxylase deficiency. Identifiers: Orphanet 90795, MedGen C0268292, MONDO:0008729, OMIM 202010. Disease mechanism: loss of function.
Glucocorticoid-remediable aldosteronism. Also called: FH I; GLUCOCORTICOID-SUPPRESSIBLE HYPERALDOSTERONISM; Hyperaldosteronism, familial, type I; ACTH-DEPENDENT HYPERALDOSTERONISM SYNDROME; ALDOSTERONISM, SENSITIVE TO DEXAMETHASONE. Identifiers: Orphanet 403, MedGen C3838731, MONDO:0007080, OMIM 103900.

Submissions (5):

Fulgent Genetics
Classification: Pathogenic for Glucocorticoid-remediable aldosteronism; Deficiency of steroid 11-beta-monooxygenase. Last evaluated: 2024-06-18. Review status: criteria provided, single submitter. Criteria: ACMG Guidelines, 2015. Collection method: clinical testing. Allele origin: germline.

Baylor Genetics
Classification: Pathogenic for Deficiency of steroid 11-beta-monooxygenase. Last evaluated: 2024-03-03. Review status: criteria provided, single submitter. Criteria: ACMG Guidelines, 2015. Collection method: clinical testing. Allele origin: unknown.

Clinical Biochemistry Laboratory, Health Services Laboratory
Classification: Likely pathogenic for Deficiency of steroid 11-beta-monooxygenase. Last evaluated: 2023-11-20. Review status: criteria provided, single submitter. Criteria: ACMG Guidelines, 2015. Collection method: clinical testing. Allele origin: germline. Affected: yes.
Comment: ACMG:PVS1 PM2 PP3

Labcorp Genetics (formerly Invitae), Labcorp
Classification: Pathogenic. Last evaluated: 2023-11-17. Review status: criteria provided, single submitter. Criteria: Invitae Variant Classification Sherloc (09022015). Collection method: clinical testing. Allele origin: germline.
Comment: This sequence change creates a premature translational stop signal (p.Asn394Argfs*37) in the CYP11B1 gene. It is expected to result in an absent or disrupted protein product. Loss-of-function variants in CYP11B1 are known to be pathogenic (PMID: 8506298, 26476331). This variant is present in population databases (rs758714890, gnomAD 0.007%). This premature translational stop signal has been observed in individual(s) with autosomal recessive adrenal hyperplasia (PMID: 1430088). This variant is also known as a 2-bp insertion at codon 394. ClinVar contains an entry for this variant (Variation ID: 1403418). For these reasons, this variant has been classified as Pathogenic.

OMIM
Classification: Pathogenic for ADRENAL HYPERPLASIA, CONGENITAL, DUE TO STEROID 11-BETA-HYDROXYLASE DEFICIENCY. Last evaluated: 1992-11-01. Review status: no assertion criteria provided. Collection method: literature only. Allele origin: germline. Not counted in ClinVar's aggregate classification.

Literature cited by the submitters: PubMed 8506298 (cited by Labcorp Genetics (formerly Invitae), Labcorp); PubMed 26476331 (cited by Labcorp Genetics (formerly Invitae), Labcorp); PubMed 1430088 (cited by Labcorp Genetics (formerly Invitae), Labcorp and OMIM).